The following is an entry in ClinVar:

ClinVar aggregate classification (germline): Uncertain significance (1 of 4 stars; one submission).

Conditions:
Fanconi anemia complementation group E (FANCE). Also called: FANCE-Related Fanconi Anemia. Identifiers: Orphanet 84, MedGen C3160739, MONDO:0010953, OMIM 600901.

Allele frequency attached by ClinVar (database versions not stated): gnomAD exomes below 0.00001.

Submission:

Labcorp Genetics (formerly Invitae), Labcorp
Classification: Uncertain significance for Fanconi anemia complementation group E. Last evaluated: 2024-04-15. Review status: criteria provided, single submitter. Criteria: Invitae Variant Classification Sherloc (09022015). Collection method: clinical testing. Allele origin: germline.
Comment: This sequence change falls in intron 5 of the FANCE gene. It does not directly change the encoded amino acid sequence of the FANCE protein. It affects a nucleotide within the consensus splice site. This variant is present in population databases (no rsID available, gnomAD no frequency). This variant has not been reported in the literature in individuals affected with FANCE-related conditions. ClinVar contains an entry for this variant (Variation ID: 2040183). Variants that disrupt the consensus splice site are a relatively common cause of aberrant splicing (PMID: 17576681, 9536098). Algorithms developed to predict the effect of sequence changes on RNA splicing suggest that this variant is not likely to affect RNA splicing. In summary, the available evidence is currently insufficient to determine the role of this variant in disease. Therefore, it has been classified as a Variant of Uncertain Significance.

Literature cited by the submitters: PubMed 17576681; PubMed 9536098.

NM_021922.3(FANCE):c.1114-3T>C

Gene: FANCE (FA complementation group E; plus strand). Cytogenetic location: 6p21.31.
Variant type: single nucleotide variant.
Coding change: c.1114-3T>C on transcript NM_021922.3 (MANE Select); 3 bases into the intron before coding-DNA position 1114, T replaced by C.
Molecular consequence: intron variant.
Genome position (GRCh38, 1-based): chr6:35,459,328, T>C. VCF-style: chr6-35459328-T-C. GRCh37 (hg19) VCF-style: chr6-35427105-T-C.
Other names: c.1114-3T>C (NM_001410876.1).
Identifiers: ClinVar variation 2040183 (VCV002040183.3), dbSNP rs1227054094, ClinGen allele CA566492077.